The following is an entry in ClinVar:

NM_203446.3(SYNJ1):c.3680C>G (p.Thr1227Arg)

Gene: SYNJ1 (synaptojanin 1; minus strand). Cytogenetic location: 21q22.11.
Variant type: single nucleotide variant.
Coding change: c.3680C>G on transcript NM_203446.3 (MANE Select); coding-DNA position 3680, C replaced by G.
Protein change: p.Thr1227Arg; replaces threonine 1227 with arginine.
Molecular consequence: missense variant.
Genome position (GRCh38, 1-based): chr21:32,639,688, G>C on the plus strand (C>G on the coding strand, the complement: SYNJ1 is on the minus strand). VCF-style: chr21-32639688-G-C. GRCh37 (hg19) VCF-style: chr21-34011998-G-C.
Other names: c.3632C>G, p.Thr1211Arg (NM_001160302.2); c.3539C>G, p.Thr1180Arg (NM_001160306.2); c.3797C>G, p.Thr1266Arg (NM_003895.4); short protein forms T1180R, T1211R, T1227R, T1266R.
Identifiers: ClinVar variation 1025770 (VCV001025770.8), dbSNP rs1275854378, ClinGen allele CA410087620.
Genomic context (GRCh38, chr21:32,639,688, plus strand): 5'-GCTCAAGTGATCCTCCTGCCTCAGCCTCCCAAAGAGGACCTACCTTTCGACGTTTCTGAT[G>C]TTTTGCTTTGGCTTTCAGGAGTCAGTCTTCCAGCAGATGCCCGCGCGTGGCTCTGTGGGG-3'
Protein context (NP_982271.3, residues 1217-1237): GRLTPESQSK[Thr1227Arg]SETSKGSTFL

ClinVar aggregate classification (germline): Uncertain significance (1 of 4 stars; one submission).

Conditions:
Developmental and epileptic encephalopathy, 53. Also called: Epileptic encephalopathy, early infantile, 53. Identifiers: MedGen C4479313, MONDO:0033362, OMIM 617389.
Early-onset Parkinson disease 20. Also called: PARKINSON DISEASE 20, AUTOSOMAL RECESSIVE EARLY-ONSET. Identifiers: Orphanet 391411, MedGen C3809824, MONDO:0014233, OMIM 615530.

Allele frequency attached by ClinVar (database versions not stated): gnomAD exomes below 0.00001; gnomAD 0.00001; TOPMed 0.00001.
gnomAD v4.1: 9 of 1,613,878 alleles (0.00056%); highest among the groups gnomAD compares: Admixed American, 0.0017%; no homozygotes.

Submission:

Labcorp Genetics (formerly Invitae), Labcorp
Classification: Uncertain significance for Developmental and epileptic encephalopathy, 53; Early-onset Parkinson disease 20. Last evaluated: 2022-11-08. Review status: criteria provided, single submitter. Criteria: Invitae Variant Classification Sherloc (09022015). Collection method: clinical testing. Allele origin: germline.
Comment: In summary, the available evidence is currently insufficient to determine the role of this variant in disease. Therefore, it has been classified as a Variant of Uncertain Significance. Algorithms developed to predict the effect of missense changes on protein structure and function (SIFT, PolyPhen-2, Align-GVGD) all suggest that this variant is likely to be tolerated. This sequence change replaces threonine, which is neutral and polar, with arginine, which is basic and polar, at codon 1266 of the SYNJ1 protein (p.Thr1266Arg). This variant is present in population databases (no rsID available, gnomAD 0.003%). This variant has not been reported in the literature in individuals affected with SYNJ1-related conditions. ClinVar contains an entry for this variant (Variation ID: 1025770).